The following is an entry in ClinVar:

ClinVar aggregate classification (germline): Likely benign. Review status: criteria provided, multiple submitters, no conflicts (2 of 4 stars). 3 submissions from 3 submitters: Likely benign (3). Last evaluated 2024-11-26.

Conditions:
Pheochromocytoma/paraganglioma syndrome 4. Also called: SDHB-Related Hereditary Paraganglioma-Pheochromocytoma Syndrome (Paragangliomas 4); SDHB-Related Hereditary Paraganglioma-Pheochromocytoma Syndrome; CAROTID BODY TUMORS AND MULTIPLE EXTRAADRENAL PHEOCHROMOCYTOMAS; PARAGANGLIOMA, FAMILIAL MALIGNANT; PARAGANGLIOMAS, HEREDITARY EXTRAADRENAL; PHEOCHROMOCYTOMA, FAMILIAL EXTRAADRENAL. Identifiers: Orphanet 29072, MedGen C1861848, MONDO:0007273, OMIM 115310.
Pheochromocytoma. Also called: MAX-Related Hereditary Paraganglioma-Pheochromocytoma Syndrome. Identifiers: Orphanet 29072, MedGen C0031511, MONDO:0008233, OMIM 171300, HP:0002666.
Gastrointestinal stromal tumor. Also called: Gastrointestinal stromal tumor, somatic; Gastrointestinal stroma tumor. Identifiers: Orphanet 44890, MedGen C0238198, MeSH D046152, MONDO:0011719, OMIM 606764, HP:0100723.
Hereditary cancer-predisposing syndrome. Also called: Neoplastic Syndromes, Hereditary; Tumor predisposition; Hereditary Cancer Syndrome; Hereditary neoplastic syndrome. Identifiers: Orphanet 140162, MedGen C0027672, MeSH D009386, MONDO:0015356.

Submissions (3):

Labcorp Genetics (formerly Invitae), Labcorp
Classification: Likely benign for Gastrointestinal stromal tumor; Pheochromocytoma/paraganglioma syndrome 4; Pheochromocytoma. Last evaluated: 2024-11-26. Review status: criteria provided, single submitter. Criteria: Invitae Variant Classification Sherloc (09022015). Collection method: clinical testing. Allele origin: germline.

Ambry Genetics
Classification: Likely benign for Hereditary cancer-predisposing syndrome. Last evaluated: 2019-05-09. Review status: criteria provided, single submitter. Criteria: Ambry Variant Classification Scheme 2023. Collection method: clinical testing. Allele origin: germline.

GeneDx
Classification: Likely benign. Last evaluated: 2018-05-17. Review status: criteria provided, single submitter. Criteria: GeneDx Variant Classification (06012015). Collection method: clinical testing. Allele origin: germline. Affected: yes.
Comment: This variant is considered likely benign or benign based on one or more of the following criteria: it is a conservative change, it occurs at a poorly conserved position in the protein, it is predicted to be benign by multiple in silico algorithms, and/or has population frequency not consistent with disease.

NM_003000.3(SDHB):c.834T>C (p.Ala278=)

Gene: SDHB (succinate dehydrogenase complex iron sulfur subunit B; minus strand). Cytogenetic location: 1p36.13.
Variant type: single nucleotide variant.
Coding change: c.834T>C on transcript NM_003000.3 (MANE Select); coding-DNA position 834, T replaced by C.
Protein change: p.Ala278=; no amino-acid change (alanine 278 retained).
Molecular consequence: synonymous variant.
Genome position (GRCh38, 1-based): chr1:17,018,890, A>G on the plus strand (T>C on the coding strand, the complement: SDHB is on the minus strand). VCF-style: chr1-17018890-A-G. GRCh37 (hg19) VCF-style: chr1-17345385-A-G.
Identifiers: ClinVar variation 668544 (VCV000668544.5), dbSNP rs1570942568, ClinGen allele CA416080292.